The following is an entry in ClinVar:

NM_000051.4(ATM):c.4454A>T (p.Asp1485Val)

Gene: ATM (ATM serine/threonine kinase; plus strand). Cytogenetic location: 11q22.3.
Variant type: single nucleotide variant.
Coding change: c.4454A>T on transcript NM_000051.4 (MANE Select); coding-DNA position 4454, A replaced by T.
Protein change: p.Asp1485Val; replaces aspartic acid 1485 with valine.
Molecular consequence: missense variant.
Genome position (GRCh38, 1-based): chr11:108,292,636, A>T. VCF-style: chr11-108292636-A-T. GRCh37 (hg19) VCF-style: chr11-108163363-A-T.
Other names: c.4454A>T, p.Asp1485Val (NM_001351834.2); short protein forms D1485V.
Identifiers: ClinVar variation 4169471 (VCV004169471.1).

ClinVar aggregate classification (germline): Uncertain significance (1 of 4 stars; one submission).

Conditions:
Hereditary cancer-predisposing syndrome. Also called: Neoplastic Syndromes, Hereditary; Tumor predisposition; Hereditary Cancer Syndrome; Hereditary neoplastic syndrome. Identifiers: Orphanet 140162, MedGen C0027672, MeSH D009386, MONDO:0015356.

gnomAD v4.1: 1 of 1,613,126 alleles (0.000062%); highest among the groups gnomAD compares: Non-Finnish European, 0.000085%; no homozygotes.

Submission:

Ambry Genetics
Classification: Uncertain significance for Hereditary cancer-predisposing syndrome. Last evaluated: 2025-07-29. Review status: criteria provided, single submitter. Criteria: Ambry Variant Classification Scheme 2023. Collection method: clinical testing. Allele origin: germline.
Comment: The p.D1485V variant (also known as c.4454A>T), located in coding exon 29 of the ATM gene, results from an A to T substitution at nucleotide position 4454. The aspartic acid at codon 1485 is replaced by valine, an amino acid with highly dissimilar properties. This amino acid position is well conserved in available vertebrate species. In addition, the in silico prediction for this alteration is inconclusive. Based on the available evidence, the clinical significance of this variant remains unclear.